The following is an entry in ClinVar:

ClinVar aggregate classification (germline): Likely benign (1 of 4 stars; one submission).

Conditions:
Hypercholesterolemia, autosomal dominant, 3 (FHCL3). Also called: Familial Hypercholesterolemia, Autosomal Dominant, 3; PCSK9-Related Familial Hypercholesterolemia, Autosomal Dominant; Familial hypercholesterolemia 3. Identifiers: MedGen C1863551, MONDO:0011369, OMIM 603776.

Allele frequency attached by ClinVar (database versions not stated): gnomAD exomes below 0.00001.

Submission:

All of Us Research Program, National Institutes of Health
Classification: Likely benign for Hypercholesterolemia, autosomal dominant, 3. Last evaluated: 2023-08-23. Review status: criteria provided, single submitter. Criteria: ACMG Guidelines, 2015. Collection method: clinical testing. Allele origin: germline. Inheritance: Autosomal dominant inheritance. Observed: 1 variant allele, 1 heterozygote.
Comment: This study involves interpretation of variants in research participants for the purpose of population health screening. Participant phenotype was not available at the time of variant classification. Additional details can be found in publication PMID: 35346344, PMCID: PMC8962531

NM_174936.4(PCSK9):c.547dup (p.Tyr183fs)

Gene: PCSK9 (proprotein convertase subtilisin/kexin type 9; plus strand). Cytogenetic location: 1p32.3.
Variant type: Duplication.
Coding change: c.547dup on transcript NM_174936.4 (MANE Select); coding-DNA position 547, one base duplicated (T; older notation c.547dupT).
Protein change: p.Tyr183fs; shifts the reading frame from tyrosine 183.
Molecular consequence: frameshift variant. On other transcripts: non-coding transcript variant (8).
Genome position (GRCh38, 1-based): chr1:55,052,301, T duplicated. VCF-style (leftmost placement, unchanged base first): chr1-55052300-G-GT. GRCh37 (hg19) VCF-style: chr1-55517973-G-GT.
Other names: c.547dup, p.Tyr183fs (NM_001407244.1, NM_001407247.1, NM_001407241.1 and 1 more transcripts); c.355dup, p.Tyr119fs (NM_001407245.1); c.172dup, p.Tyr58fs (NM_001407246.1); c.490dup, p.Tyr164fs (NM_001407243.1); c.670dup, p.Tyr224fs (NM_001407240.1); short protein forms Y119fs, Y164fs, Y183fs, Y224fs, Y58fs.
Identifiers: ClinVar variation 3073054 (VCV003073054.1), dbSNP rs2523223834, ClinGen allele CA2574381155.